The following is an entry in ClinVar:

NM_001130438.3(SPTAN1):c.4535T>A (p.Ile1512Asn)

Gene: SPTAN1 (spectrin alpha, non-erythrocytic 1; plus strand). Cytogenetic location: 9q34.11.
Variant type: single nucleotide variant.
Coding change: c.4535T>A on transcript NM_001130438.3 (MANE Select); coding-DNA position 4535, T replaced by A.
Protein change: p.Ile1512Asn; replaces isoleucine 1512 with asparagine.
Molecular consequence: missense variant.
Genome position (GRCh38, 1-based): chr9:128,608,917, T>A. VCF-style: chr9-128608917-T-A. GRCh37 (hg19) VCF-style: chr9-131371196-T-A.
Other names: c.4535T>A (NM_001130438.2); c.4475T>A, p.Ile1492Asn (NM_001195532.2, NM_001363765.2, NM_001375314.2); c.4535T>A, p.Ile1512Asn (NM_001363759.2, NM_001375310.1, NM_001375311.2 and 2 more transcripts); c.4571T>A, p.Ile1524Asn (NM_001375312.2, NM_001375318.1); short protein forms I1512N, I1492N, I1524N.
Identifiers: ClinVar variation 2713669 (VCV002713669.4), dbSNP rs374500733, ClinGen allele CA200399196.
Genomic context (GRCh38, chr9:128,608,917, plus strand): 5'-CCTTTGTTTTCTGACAGGAAGAGAAGATTGCTGCTCTGCAGGCCTTTGCCGACCAGCTCA[T>A]CGCTGCCGGCCATTATGCCAAGGGAGACATTTCTAGCCGGCGCAATGAGGTCTTGGACAG-3'
Protein context (NP_001123910.1, residues 1502-1522): AALQAFADQL[Ile1512Asn]AAGHYAKGDI

ClinVar aggregate classification (germline): Uncertain significance. Review status: criteria provided, multiple submitters, no conflicts (2 of 4 stars). 2 submissions from 2 submitters: Uncertain significance (2). Last evaluated 2025-12-15.

Conditions:
Early-infantile DEE. Also called: Early infantile epileptic encephalopathy; Ohtahara syndrome; Early infantile epileptic encephalopathy with suppression bursts. Identifiers: Orphanet 1934, MedGen C0393706, MONDO:0800491.
Inborn genetic diseases. Identifiers: MedGen C0950123, MeSH D030342.

Allele frequency attached by ClinVar (database versions not stated): gnomAD exomes below 0.00001; ESP Exome Variant Server 0.00008.
gnomAD v4.1: 5 of 1,614,232 alleles (0.00031%); highest among the groups gnomAD compares: Non-Finnish European, 0.00042%; no homozygotes.

Submissions (2):

Ambry Genetics
Classification: Uncertain significance for Inborn genetic diseases. Last evaluated: 2025-12-15. Review status: criteria provided, single submitter. Criteria: Ambry Variant Classification Scheme 2023. Collection method: clinical testing. Allele origin: germline.

Labcorp Genetics (formerly Invitae), Labcorp
Classification: Uncertain significance for Early-infantile DEE. Last evaluated: 2023-03-08. Review status: criteria provided, single submitter. Criteria: Invitae Variant Classification Sherloc (09022015). Collection method: clinical testing. Allele origin: germline.
Comment: In summary, the available evidence is currently insufficient to determine the role of this variant in disease. Therefore, it has been classified as a Variant of Uncertain Significance. Advanced modeling of protein sequence and biophysical properties (such as structural, functional, and spatial information, amino acid conservation, physicochemical variation, residue mobility, and thermodynamic stability) has been performed at Invitae for this missense variant, however the output from this modeling did not meet the statistical confidence thresholds required to predict the impact of this variant on SPTAN1 protein function. This variant has not been reported in the literature in individuals affected with SPTAN1-related conditions. This variant is present in population databases (rs374500733, gnomAD 0.0009%). This sequence change replaces isoleucine, which is neutral and non-polar, with asparagine, which is neutral and polar, at codon 1512 of the SPTAN1 protein (p.Ile1512Asn).